The following is an entry in ClinVar:

NM_000361.3(THBD):c.1440_1441del (p.Cys480_Asp481delinsTer)

Gene: THBD (thrombomodulin; minus strand). Cytogenetic location: 20p11.21.
Variant type: Microsatellite.
Coding change: c.1440_1441del on transcript NM_000361.3 (MANE Select); coding-DNA positions 1440 to 1441, 2 bases deleted (TG; older notation c.1440_1441delTG).
Protein change: p.Cys480_Asp481delinsTer.
Molecular consequence: nonsense.
Genome position (GRCh38, 1-based): chr20:23,048,064-23,048,065, CA deleted on the plus strand (TG on the coding strand, the reverse complement: THBD is on the minus strand); deleting any 2 consecutive bases within chr20:23,048,064-23,048,067 gives the same sequence; the c. name uses the placement nearest the transcript's 3' end. VCF-style (leftmost placement, unchanged base first): chr20-23048063-TCA-T. GRCh37 (hg19) VCF-style: chr20-23028700-TCA-T.
Identifiers: ClinVar variation 3893285 (VCV003893285.1).
Genomic context (GRCh38, chr20:23,048,063, plus strand): 5'-GGCGTCGGGCTGGGCGGGGGCTCGCCAGAGCCGCTGTCGCCACCGTCCACCTTGCCGGAG[TCA>T]CAGTCGGTGCCAATGTGGCGGGCAAGGGCCGAGTCGGGCCCGCAGATGCACTCGAAGGTA-3'

ClinVar aggregate classification (germline): Likely pathogenic (1 of 4 stars; one submission).

Conditions:
Thrombomodulin-related bleeding disorder (THPH12). Also called: Thrombophilia due to thrombomodulin defect. Identifiers: Orphanet 436169, MedGen C3280976, MONDO:0013775, OMIM 614486.

Submission:

Diagnostics Services (NGS), CSIR - Centre For Cellular And Molecular Biology
Classification: Likely pathogenic for Thrombomodulin-related bleeding disorder. Last evaluated: 2025-04-09. Review status: criteria provided, single submitter. Criteria: ACMG Guidelines, 2015. Collection method: clinical testing. Allele origin: unknown. Affected: yes. Observed: 1 variant allele, 1 heterozygote.
Comment: The c.1440_1441del variant is not present in publicly available population databases like 1000 Genomes, EVS, gnomAD, Indian Exome Database or our internal database. This variant has neither been published in the literature for THBD-related conditions nor reported to clinical databases like Human Genome Mutation database (HGMD), OMIM, or ClinVar in any affected individuals. In-silico pathogenicity prediction programs like MutationTaster2021, CADD, Franklin, Varsome etc predicted this variant to be likely deleterious. This variant creates a premature translational stop signal at the 480th amino acid position of the wild-type transcript that may either result in translation of a truncated protein however predicted not to cause nonsense mediated decay of the mRNA.